The following is an entry in ClinVar:

NM_000487.6(ARSA):c.302del (p.Gly101fs)

Gene: ARSA (arylsulfatase A; minus strand). Cytogenetic location: 22q13.33.
Variant type: Deletion.
Coding change: c.302del on transcript NM_000487.6 (MANE Select); coding-DNA position 302, one base deleted (G; older notation c.302delG).
Protein change: p.Gly101fs; shifts the reading frame from glycine 101.
Molecular consequence: frameshift variant.
Genome position (GRCh38, 1-based): chr22:50,627,329, C deleted on the plus strand (G on the coding strand, the reverse complement: ARSA is on the minus strand); the first of 7 consecutive C bases (chr22:50,627,329-50,627,335); deleting any one gives the same sequence. VCF-style (leftmost placement, unchanged base first): chr22-50627328-GC-G. GRCh37 (hg19) VCF-style: chr22-51065756-GC-G.
Other names: NP_000478.3:p.(Gly101AlafsTer7); c.302del, p.Gly101fs (NM_001085425.3, NM_001085426.3, NM_001085427.3); c.44del, p.Gly15fs (NM_001085428.3, NM_001362782.2); c.302delG (NM_000487.5, NM_000487.6); c.302del (NM_000487.5); short protein forms G101fs, G15fs.
Identifiers: ClinVar variation 424445 (VCV000424445.13), dbSNP rs761606317, ClinGen allele CA10325059.

ClinVar aggregate classification (germline): Pathogenic/Likely pathogenic. Review status: criteria provided, multiple submitters, no conflicts (2 of 4 stars). 5 submissions from 5 submitters: Pathogenic (3); Likely pathogenic (2). Last evaluated 2026-09-17.

Conditions:
Metachromatic leukodystrophy (MLD). Also called: Arylsulfatase A Deficiency; SULFATIDE LIPIDOSIS; CEREBROSIDE SULFATASE DEFICIENCY; Cerebral sclerosis diffuse metachromatic form; METACHROMATIC LEUKOENCEPHALOPATHY; ARSA DEFICIENCY. Identifiers: Orphanet 512, MedGen C0023522, MONDO:0018868, OMIM 250100.

Submissions (5):

Laboratory of Experimental Gene Therapy of Hereditary Metabolic Diseases, Research Centre for Medical Genetics
Classification: Likely pathogenic for Metachromatic leukodystrophy. Last evaluated: 2026-09-17. Review status: criteria provided, single submitter. Criteria: ARSA MLD Assertion Criteria V2 2026 09 18. Collection method: clinical testing. Allele origin: germline. Inheritance: Autosomal recessive inheritance. Affected: yes. Observed: 1 variant allele, 1 compound heterozygote.
Comment: The previously reported Likely pathogenic classification was reviewed and retained for the accompanying study. External ClinVar record reviewed: VCV000424445.12. Observations from the present referral series were not used to establish pathogenicity.

GeneDx
Classification: Likely pathogenic. Last evaluated: 2025-11-14. Review status: criteria provided, single submitter. Criteria: GeneDx Variant Classification Process June 2021. Collection method: clinical testing. Allele origin: germline. Affected: yes.
Comment: Frameshift variant predicted to result in protein truncation or nonsense mediated decay in a gene for which loss of function is a known mechanism of disease; This variant is associated with the following publications: (PMID: 38532509, 22085303)

Women's Health and Genetics/Laboratory Corporation of America, LabCorp
Classification: Pathogenic for Metachromatic leukodystrophy. Last evaluated: 2025-05-20. Review status: criteria provided, single submitter. Criteria: LabCorp Variant Classification Summary - May 2015. Collection method: clinical testing. Allele origin: germline.
Comment: Variant summary: ARSA c.302delG (p.Gly101AlafsX7) results in a premature termination codon, predicted to cause a truncation of the encoded protein or absence of the protein due to nonsense mediated decay, which are commonly known mechanisms for disease. The frequency data for this variant in gnomAD is considered unreliable, as metrics indicate poor data quality at this position. To our knowledge, no occurrence of c.302delG in individuals affected with Metachromatic Leukodystrophy and no experimental evidence demonstrating its impact on protein function have been reported. ClinVar contains an entry for this variant (Variation ID: 424445). Based on the evidence outlined above, the variant was classified as pathogenic.

Labcorp Genetics (formerly Invitae), Labcorp
Classification: Pathogenic for Metachromatic leukodystrophy. Last evaluated: 2023-10-22. Review status: criteria provided, single submitter. Criteria: Invitae Variant Classification Sherloc (09022015). Collection method: clinical testing. Allele origin: germline.
Comment: This sequence change creates a premature translational stop signal (p.Gly101Alafs*7) in the ARSA gene. It is expected to result in an absent or disrupted protein product. Loss-of-function variants in ARSA are known to be pathogenic (PMID: 8962139, 10477432). The frequency data for this variant in the population databases is considered unreliable, as metrics indicate poor data quality at this position in the gnomAD database. This variant has not been reported in the literature in individuals affected with ARSA-related conditions. ClinVar contains an entry for this variant (Variation ID: 424445). For these reasons, this variant has been classified as Pathogenic.

Eurofins Ntd Llc (ga)
Classification: Pathogenic. Last evaluated: 2017-01-06. Review status: criteria provided, single submitter. Criteria: EGL Classification Definitions 2015. Collection method: clinical testing. Allele origin: germline. Observed: 2 variant alleles, 2 heterozygotes.

Literature cited by the submitters: PubMed 8962139 (cited by Labcorp Genetics (formerly Invitae), Labcorp); PubMed 10477432 (cited by Labcorp Genetics (formerly Invitae), Labcorp).